The following is an entry in ClinVar:

ClinVar aggregate classification (germline): Uncertain significance (1 of 4 stars; one submission).

Conditions:
Neuroblastoma, susceptibility to, 3. Also called: ALK-Related Neuroblastic Tumor Susceptibility. Identifiers: Orphanet 635, MedGen C2751681, MONDO:0013083, OMIM 613014.

Submission:

Labcorp Genetics (formerly Invitae), Labcorp
Classification: Uncertain significance for Neuroblastoma, susceptibility to, 3. Last evaluated: 2023-04-14. Review status: criteria provided, single submitter. Criteria: Invitae Variant Classification Sherloc (09022015). Collection method: clinical testing. Allele origin: germline.
Comment: In summary, the available evidence is currently insufficient to determine the role of this variant in disease. Therefore, it has been classified as a Variant of Uncertain Significance. ClinVar contains an entry for this variant (Variation ID: 950751). This variant has not been reported in the literature in individuals affected with ALK-related conditions. This variant is not present in population databases (gnomAD no frequency). This sequence change creates a premature translational stop signal (p.Ile393Metfs*30) in the ALK gene. It is expected to result in an absent or disrupted protein product. However, the current clinical and genetic evidence is not sufficient to establish whether loss-of-function variants in ALK cause disease.

NM_004304.5(ALK):c.1179del (p.Ile393fs)

Gene: ALK (ALK receptor tyrosine kinase; minus strand). Cytogenetic location: 2p23.2.
Variant type: Deletion.
Coding change: c.1179del on transcript NM_004304.5 (MANE Select); coding-DNA position 1179, one base deleted (C; older notation c.1179delC).
Protein change: p.Ile393fs; shifts the reading frame from isoleucine 393.
Molecular consequence: frameshift variant.
Genome position (GRCh38, 1-based): chr2:29,383,835, G deleted on the plus strand (C on the coding strand, the reverse complement: ALK is on the minus strand). VCF-style (leftmost placement, unchanged base first): chr2-29383834-CG-C. GRCh37 (hg19) VCF-style: chr2-29606700-CG-C.
Other names: short protein forms I393fs.
Identifiers: ClinVar variation 950751 (VCV000950751.7), dbSNP rs1668965828, ClinGen allele CA1139656833.